The following is an entry in ClinVar:

ClinVar aggregate classification (germline): Uncertain significance (1 of 4 stars; one submission).

Conditions:
Hypertrophic cardiomyopathy 14. Identifiers: MedGen C2750467, MONDO:0013197, OMIM 613251.

Submission:

Labcorp Genetics (formerly Invitae), Labcorp
Classification: Uncertain significance for Hypertrophic cardiomyopathy 14. Last evaluated: 2024-10-04. Review status: criteria provided, single submitter. Criteria: Invitae Variant Classification Sherloc (09022015). Collection method: clinical testing. Allele origin: germline.
Comment: This sequence change replaces arginine, which is basic and polar, with proline, which is neutral and non-polar, at codon 34 of the MYH6 protein (p.Arg34Pro). This variant is not present in population databases (gnomAD no frequency). This variant has not been reported in the literature in individuals affected with MYH6-related conditions. Invitae Evidence Modeling of protein sequence and biophysical properties (such as structural, functional, and spatial information, amino acid conservation, physicochemical variation, residue mobility, and thermodynamic stability) indicates that this missense variant is expected to disrupt MYH6 protein function with a positive predictive value of 80%. In summary, the available evidence is currently insufficient to determine the role of this variant in disease. Therefore, it has been classified as a Variant of Uncertain Significance.

NM_002471.4(MYH6):c.101G>C (p.Arg34Pro)

Genes: MYH6 (myosin heavy chain 6; minus strand), LOC114827851 (VISTA enhancer hs2155; plus strand). Cytogenetic location: 14q11.2.
Variant type: single nucleotide variant.
Coding change: c.101G>C on transcript NM_002471.4 (MANE Select); coding-DNA position 101, G replaced by C.
Protein change: p.Arg34Pro; replaces arginine 34 with proline.
Molecular consequence: missense variant.
Genome position (GRCh38, 1-based): chr14:23,407,123, C>G on the plus strand (G>C on the coding strand, the complement: MYH6 is on the minus strand). VCF-style: chr14-23407123-C-G. GRCh37 (hg19) VCF-style: chr14-23876332-C-G.
Other names: short protein forms R34P.
Identifiers: ClinVar variation 3696187 (VCV003696187.2).
Genomic context (GRCh38, chr14:23,407,123, plus strand): 5'-CGGGACAAAATCTTGGCTTTGACAAACTCTTCCTTGTCATCGGGCACGAAGCACTCAGTG[C>G]GAATGTCAAAGGGCCGGGTCTGGGCCTCTAGACGCTCCTTCTCTGACTTGCGGAGGTACT-3'
Protein context (NP_002462.2, residues 24-44): LEAQTRPFDI[Arg34Pro]TECFVPDDKE